The following is an entry in ClinVar:

NM_001953.5(TYMP):c.281C>T (p.Ala94Val)

Genes: TYMP (thymidine phosphorylase; minus strand), LOC130067864 (ATAC-STARR-seq lymphoblastoid active region 19325; plus strand). Cytogenetic location: 22q13.33.
Variant type: single nucleotide variant.
Coding change: c.281C>T on transcript NM_001953.5 (MANE Select); coding-DNA position 281, C replaced by T.
Protein change: p.Ala94Val; replaces alanine 94 with valine.
Molecular consequence: missense variant.
Genome position (GRCh38, 1-based): chr22:50,529,272, G>A on the plus strand (C>T on the coding strand, the complement: TYMP is on the minus strand). VCF-style: chr22-50529272-G-A. GRCh37 (hg19) VCF-style: chr22-50967701-G-A.
Other names: c.281C>T, p.Ala94Val (LRG_727t2, LRG_727t1, NM_001113755.3 and 3 more transcripts); short protein forms A94V.
Identifiers: ClinVar variation 215328 (VCV000215328.4), dbSNP rs863224249, ClinGen allele CA321064.

ClinVar aggregate classification (germline): Uncertain significance. Review status: criteria provided, single submitter (1 of 4 stars). 2 submissions from 2 submitters: Uncertain significance (1). 1 of the submissions does not count toward it. Last evaluated 2024-03-27.

Conditions:
Mitochondrial neurogastrointestinal encephalomyopathy. Also called: Mitochondrial neurogastrointestinal encephalopathy syndrome; MNGIE syndrome; Thymidine phosphorylase deficiency. Identifiers: Orphanet 298, MedGen C0872218, MONDO:0017575.

Allele frequency attached by ClinVar (database versions not stated): gnomAD exomes below 0.00001; gnomAD 0.00001.

Submissions (2):

GeneDx
Classification: Uncertain significance. Last evaluated: 2024-03-27. Review status: criteria provided, single submitter. Criteria: GeneDx Variant Classification Process June 2021. Collection method: clinical testing. Allele origin: germline. Affected: yes.
Comment: Not observed at significant frequency in large population cohorts (gnomAD); In silico analysis supports that this missense variant has a deleterious effect on protein structure/function; Has not been previously published as pathogenic or benign to our knowledge

Natera, Inc.
Classification: Uncertain significance for Mitochondrial neurogastrointestinal encephalomyopathy. Last evaluated: 2020-01-24. Review status: no assertion criteria provided. Collection method: clinical testing. Allele origin: germline. Not counted in ClinVar's aggregate classification.